The following is an entry in ClinVar:

NM_007118.4(TRIO):c.8188G>C (p.Gly2730Arg)

Genes: TRIO (trio Rho guanine nucleotide exchange factor; plus strand), LOC126807323 (CDK7 strongly-dependent group 2 enhancer GRCh37_chr5:14497716-14498915; plus strand). Cytogenetic location: 5p15.2.
Variant type: single nucleotide variant.
Coding change: c.8188G>C on transcript NM_007118.4 (MANE Select); coding-DNA position 8188, G replaced by C.
Protein change: p.Gly2730Arg; replaces glycine 2730 with arginine.
Molecular consequence: missense variant. On other transcripts: non-coding transcript variant (1).
Genome position (GRCh38, 1-based): chr5:14,498,229, G>C. VCF-style: chr5-14498229-G-C. GRCh37 (hg19) VCF-style: chr5-14498338-G-C.
Other names: short protein forms G2730R.
Identifiers: ClinVar variation 3900444 (VCV003900444.1).

ClinVar aggregate classification (germline): Uncertain significance (1 of 4 stars; one submission).

Submission:

GeneDx
Classification: Uncertain significance. Last evaluated: 2024-11-22. Review status: criteria provided, single submitter. Criteria: GeneDx Variant Classification Process June 2021. Collection method: clinical testing. Allele origin: germline. Affected: yes.
Comment: Not observed at significant frequency in large population cohorts (gnomAD); In silico analysis supports that this missense variant has a deleterious effect on protein structure/function; Has not been previously published as pathogenic or benign to our knowledge